The following is an entry in ClinVar:

ClinVar aggregate classification (germline): Benign/Likely benign. Review status: criteria provided, multiple submitters, no conflicts (2 of 4 stars). 9 submissions from 9 submitters: Benign (2); Likely benign (5). 2 of the submissions do not count toward it. Last evaluated 2026-07-01.

Allele frequency attached by ClinVar (database versions not stated): ExAC 0.00324; ESP Exome Variant Server 0.00469; 1000 Genomes Project 30x 0.00156; 1000 Genomes Project 0.00180; TOPMed 0.00302; gnomAD exomes 0.00308; gnomAD 0.00322.
gnomAD v4.1: 7,694 of 1,613,402 alleles (0.48%); highest among the groups gnomAD compares: Non-Finnish European, 0.59%; 33 homozygotes.

Submissions (9):

CeGaT Center for Human Genetics Tuebingen
Classification: Likely benign. Last evaluated: 2026-07-01. Review status: criteria provided, single submitter. Criteria: CeGaT Center For Human Genetics Tuebingen Variant Classification Criteria Version 2. Collection method: clinical testing. Allele origin: germline. Affected: yes. Observed: 9 variant alleles.
Comment: SPTB: BP4, BP7, BS2

Labcorp Genetics (formerly Invitae), Labcorp
Classification: Benign. Last evaluated: 2025-11-13. Review status: criteria provided, single submitter. Criteria: Invitae Variant Classification Sherloc (09022015). Collection method: clinical testing. Allele origin: germline.

ARUP Laboratories, Molecular Genetics and Genomics, ARUP Laboratories
Classification: Benign. Last evaluated: 2025-07-11. Review status: criteria provided, single submitter. Criteria: ARUP Molecular Germline Variant Investigation Process 2024. Collection method: clinical testing. Allele origin: germline.

Mayo Clinic Laboratories, Mayo Clinic
Classification: Likely benign. Last evaluated: 2025-02-04. Review status: criteria provided, single submitter. Criteria: ACMG Guidelines, 2015. Collection method: clinical testing. Allele origin: germline. Observed: 18 variant alleles.

Blueprint Genetics
Classification: Likely benign. Last evaluated: 2024-11-27. Review status: criteria provided, single submitter. Criteria: ACMG Guidelines, 2015. Collection method: clinical testing. Allele origin: germline.

Breakthrough Genomics
Classification: Likely benign. Review status: criteria provided, single submitter. Criteria: ACMG Guidelines, 2015. Collection method: not provided. Allele origin: germline. Inheritance: Autosomal dominant inheritance. Affected: yes.

PreventionGenetics, part of Exact Sciences
Classification: Likely benign. Review status: criteria provided, single submitter. Criteria: ACMG Guidelines, 2015. Collection method: clinical testing. Allele origin: germline.

Clinical Genetics DNA and cytogenetics Diagnostics Lab, Erasmus MC, Erasmus Medical Center
Classification: Likely benign. Review status: no assertion criteria provided. Collection method: clinical testing. Allele origin: germline. Affected: yes. Study: VKGL Data-share Consensus. Not counted in ClinVar's aggregate classification.

Genome Diagnostics Laboratory, University Medical Center Utrecht
Classification: Benign. Review status: no assertion criteria provided. Collection method: clinical testing. Allele origin: germline. Affected: yes. Study: VKGL Data-share Consensus. Not counted in ClinVar's aggregate classification.

NM_001355436.2(SPTB):c.4618A>C (p.Arg1540=)

Gene: SPTB (spectrin beta, erythrocytic; minus strand). Cytogenetic location: 14q23.3.
Variant type: single nucleotide variant.
Coding change: c.4618A>C on transcript NM_001355436.2 (MANE Select); coding-DNA position 4618, A replaced by C.
Protein change: p.Arg1540=; no amino-acid change (arginine 1540 retained).
Molecular consequence: synonymous variant.
Genome position (GRCh38, 1-based): chr14:64,775,349, T>G on the plus strand (A>C on the coding strand, the complement: SPTB is on the minus strand). VCF-style: chr14-64775349-T-G. GRCh37 (hg19) VCF-style: chr14-65242067-T-G.
Other names: p.Arg1540=; c.4618A>C, p.Arg1540= (NM_001024858.4, NM_001355437.2).
Identifiers: ClinVar variation 257122 (VCV000257122.49), dbSNP rs61989884, ClinGen allele CA7230235.